The following is an entry in ClinVar:

NM_001429.4(EP300):c.1600C>G (p.His534Asp)

Gene: EP300 (E1A binding protein p300; plus strand). Cytogenetic location: 22q13.2.
Variant type: single nucleotide variant.
Coding change: c.1600C>G on transcript NM_001429.4 (MANE Select); coding-DNA position 1600, C replaced by G.
Protein change: p.His534Asp; replaces histidine 534 with aspartic acid.
Molecular consequence: missense variant.
Genome position (GRCh38, 1-based): chr22:41,135,884, C>G. VCF-style: chr22-41135884-C-G. GRCh37 (hg19) VCF-style: chr22-41531888-C-G.
Other names: c.1600C>G, p.His534Asp (NM_001362843.2); short protein forms H534D.
Identifiers: ClinVar variation 3346840 (VCV003346840.1).

ClinVar aggregate classification (germline): Uncertain significance (0 of 4 stars; one submission).

Conditions:
EP300-related disorder. Also called: EP300-related condition; EP300-related disorders.

gnomAD v4.1: 2 of 1,613,850 alleles (0.00012%); highest among the groups gnomAD compares: African/African-American, 0.0027%; no homozygotes.

Submission:

PreventionGenetics, part of Exact Sciences
Classification: Uncertain significance for EP300-related condition. Last evaluated: 2024-08-26. Review status: no assertion criteria provided. Collection method: clinical testing. Allele origin: germline.
Comment: The EP300 c.1600C>G variant is predicted to result in the amino acid substitution p.His534Asp. To our knowledge, this variant has not been reported in the literature or in a large population database, indicating this variant is rare. At this time, the clinical significance of this variant is uncertain due to the absence of conclusive functional and genetic evidence.